The following is an entry in ClinVar:

ClinVar aggregate classification (germline): Uncertain significance (1 of 4 stars; one submission).

Submission:

CeGaT Center for Human Genetics Tuebingen
Classification: Uncertain significance. Last evaluated: 2026-03-01. Review status: criteria provided, single submitter. Criteria: CeGaT Center For Human Genetics Tuebingen Variant Classification Criteria Version 2. Collection method: clinical testing. Allele origin: germline. Affected: yes. Observed: 1 variant allele.
Comment: THOC2: PM4

NM_001081550.2(THOC2):c.3834_3839del (p.1276EK[2])

Gene: THOC2 (THO complex subunit 2; minus strand). Cytogenetic location: Xq25.
Variant type: Deletion.
Coding change: c.3834_3839del on transcript NM_001081550.2 (MANE Select); coding-DNA positions 3834 to 3839, 6 bases deleted (AAAAGA; older notation c.3834_3839delAAAAGA).
Protein change: p.1276EK[2].
Molecular consequence: inframe deletion.
Genome position (GRCh38, 1-based): chrX:123,621,534-123,621,539, TCTTTT deleted on the plus strand (AAAAGA on the coding strand, the reverse complement: THOC2 is on the minus strand); deleting any 6 consecutive bases within chrX:123,621,534-123,621,544 gives the same sequence; the c. name uses the placement nearest the transcript's 3' end. VCF-style (leftmost placement, unchanged base first): chrX-123621533-CTCTTTT-C. GRCh37 (hg19) VCF-style: chrX-122755384-CTCTTTT-C.
Other names: c.3834_3839del, p.1276EK[2] (NM_001441235.1, NM_001441236.1).
Identifiers: ClinVar variation 4822425 (VCV004822425.4).